The following is an entry in ClinVar:

NM_000810.4(GABRA5):c.814G>A (p.Val272Met)

Gene: GABRA5 (gamma-aminobutyric acid type A receptor subunit alpha5; plus strand). Cytogenetic location: 15q12.
Variant type: single nucleotide variant.
Coding change: c.814G>A on transcript NM_000810.4 (MANE Select); coding-DNA position 814, G replaced by A.
Protein change: p.Val272Met; replaces valine 272 with methionine.
Molecular consequence: missense variant.
Genome position (GRCh38, 1-based): chr15:26,940,014, G>A. VCF-style: chr15-26940014-G-A. GRCh37 (hg19) VCF-style: chr15-27185161-G-A.
Other names: c.814G>A, p.Val272Met (NM_001165037.2); short protein forms V272M.
Identifiers: ClinVar variation 3384738 (VCV003384738.1).

ClinVar aggregate classification (germline): Uncertain significance (1 of 4 stars; one submission).

gnomAD v4.1: 2 of 1,613,944 alleles (0.00012%); highest among the groups gnomAD compares: Non-Finnish European, 0.000085%; no homozygotes.

Submission:

Women's Health and Genetics/Laboratory Corporation of America, LabCorp
Classification: Uncertain significance. Last evaluated: 2024-10-11. Review status: criteria provided, single submitter. Criteria: LabCorp Variant Classification Summary - May 2015. Collection method: clinical testing. Allele origin: germline.
Comment: Variant summary: GABRA5 c.814G>A (p.Val272Met) results in a conservative amino acid change located in the Neurotransmitter-gated ion-channel transmembrane domain (IPR006029) of the encoded protein sequence. Four of five in-silico tools predict a damaging effect of the variant on protein function. The variant was absent in 249242 control chromosomes. The available data on variant occurrences in the general population are insufficient to allow any conclusion about variant significance. To our knowledge, no occurrence of c.814G>A in individuals affected with Developmental And Epileptic Encephalopathy, 79 and no experimental evidence demonstrating its impact on protein function have been reported. No submitters have cited clinical-significance assessments for this variant to ClinVar. Based on the evidence outlined above, the variant was classified as uncertain significance.